The following is an entry in ClinVar:

ClinVar aggregate classification (germline): Benign/Likely benign. Review status: criteria provided, multiple submitters, no conflicts (2 of 4 stars). 9 submissions from 9 submitters: Benign (5); Likely benign (1). 3 of the submissions do not count toward it. Last evaluated 2026-02-03.

Conditions:
Progressive microcephaly-seizures-cortical blindness-developmental delay syndrome. Also called: Seizures, cortical blindness, and microcephaly syndrome. Identifiers: Orphanet 477814, MedGen C5567650, MONDO:0014714, OMIM 616632.
Autosomal dominant nonsyndromic hearing loss 1. Also called: KONIGSMARK SYNDROME; DEAFNESS, AUTOSOMAL DOMINANT 1, WITH OR WITHOUT THROMBOCYTOPENIA. Identifiers: Orphanet 90635, MedGen C1852282, MONDO:0007424, OMIM 124900.

Submissions (9):

Labcorp Genetics (formerly Invitae), Labcorp
Classification: Benign for Progressive microcephaly-seizures-cortical blindness-developmental delay syndrome; Autosomal dominant nonsyndromic hearing loss 1. Last evaluated: 2026-02-03. Review status: criteria provided, single submitter. Criteria: Invitae Variant Classification Sherloc (09022015). Collection method: clinical testing. Allele origin: germline.

Mayo Clinic Laboratories, Mayo Clinic
Classification: Benign. Last evaluated: 2022-09-29. Review status: criteria provided, single submitter. Criteria: ACMG Guidelines, 2015. Collection method: clinical testing. Allele origin: germline. Observed: 39 variant alleles.

GeneDx
Classification: Benign. Last evaluated: 2017-12-28. Review status: criteria provided, single submitter. Criteria: GeneDx Variant Classification Process June 2021. Collection method: clinical testing. Allele origin: germline. Affected: yes.

Laboratory for Molecular Medicine, Mass General Brigham Personalized Medicine
Classification: Benign. Last evaluated: 2017-02-09. Review status: criteria provided, single submitter. Criteria: LMM Criteria. Collection method: clinical testing. Allele origin: germline. Observed: 17 variant alleles.
Comment: p.Pro608[15] in exon 16 of DIAPH1: This variant is not expected to have clinical significance because it has been identied in 1.2% (6/506) of East Asian chromos omes and 0.7% (51/7548) of European chromosomes by the Exome Aggregation Consort ium (ExAC; dbSNP rs374236039).

Center for Pediatric Genomic Medicine, Children's Mercy Hospital and Clinics
Classification: Likely benign. Last evaluated: 2016-11-07. Review status: criteria provided, single submitter. Criteria: ACMG Guidelines, 2015. Collection method: clinical testing. Allele origin: germline.
ClinVar note: Converted during submission from Likely Benign to Likely benign.

Eurofins Ntd Llc (ga)
Classification: Benign. Last evaluated: 2016-09-08. Review status: criteria provided, single submitter. Criteria: EGL Classification Definitions. Collection method: clinical testing. Allele origin: germline. Observed: 1 variant allele, 1 heterozygote.

Clinical Genetics DNA and cytogenetics Diagnostics Lab, Erasmus MC, Erasmus Medical Center
Classification: Benign. Review status: no assertion criteria provided. Collection method: clinical testing. Allele origin: germline. Affected: yes. Study: VKGL Data-share Consensus. Not counted in ClinVar's aggregate classification.

Diagnostic Laboratory, Department of Genetics, University Medical Center Groningen
Classification: Likely benign. Review status: no assertion criteria provided. Collection method: clinical testing. Allele origin: germline. Affected: yes. Study: VKGL Data-share Consensus. Not counted in ClinVar's aggregate classification.

Genome Diagnostics Laboratory, University Medical Center Utrecht
Classification: Likely benign. Review status: no assertion criteria provided. Collection method: clinical testing. Allele origin: germline. Affected: yes. Study: VKGL Data-share Consensus. Not counted in ClinVar's aggregate classification.

NM_005219.5(DIAPH1):c.1821TCC[13] (p.Pro619_Pro620dup)

Gene: DIAPH1 (diaphanous related formin 1; minus strand). Cytogenetic location: 5q31.3.
Variant type: Microsatellite.
Coding change: c.1821TCC[13] on transcript NM_005219.5 (MANE Select); 13 copies in a row of the 3-base unit TCC starting at c.1821; the reference has 11 copies in a row; two copies, 6 bases duplicated; also written c.1848_1853dup.
Protein change: p.Pro619_Pro620dup.
Molecular consequence: inframe insertion.
Genome position (GRCh38, 1-based): chr5:141,573,997-141,574,002, GGAGGA duplicated on the plus strand (TCCTCC on the coding strand, the reverse complement: DIAPH1 is on the minus strand); duplicating any 6 consecutive bases within chr5:141,573,997-141,574,030 gives the same sequence; the position shown is the placement nearest the transcript's 3' end. VCF-style (leftmost placement, unchanged base first): chr5-141573996-T-TGGAGGA. GRCh37 (hg19) VCF-style: chr5-140953563-T-TGGAGGA.
Other names: p.Pro620_Leu621insProPro; p.Pro619_Pro620dup; c.1794TCC[13], p.Pro610_Pro611dup (NM_001079812.3); c.1821TCC[13], p.Pro619_Pro620dup (NM_001314007.2); c.1848_1853dup (NM_005219.5).
Identifiers: ClinVar variation 475698 (VCV000475698.28), dbSNP rs3075570, ClinGen allele CA3479198.